The following is an entry in ClinVar:

NM_001164664.2(MAST4):c.6043CTC[1] (p.Leu2016del)

Gene: MAST4 (microtubule associated serine/threonine kinase family member 4; plus strand). Cytogenetic location: 5q12.3.
Variant type: Microsatellite.
Coding change: c.6043CTC[1] on transcript NM_001164664.2 (MANE Select); one copy of the 3-base unit CTC starting at c.6043; the reference has two copies in a row; one copy, 3 bases deleted.
Protein change: p.Leu2016del; deletes leucine 2016.
Genome position (GRCh38, 1-based): chr5:67,165,225-67,165,227, CTC deleted; deleting any 3 consecutive bases within chr5:67,165,222-67,165,227 gives the same sequence; the position shown is the placement nearest the transcript's 3' end. VCF-style (leftmost placement, unchanged base first): chr5-67165221-TCTC-T. GRCh37 (hg19) VCF-style: chr5-66461049-TCTC-T.
Other names: c.5425CTC[1], p.Leu1810del (NM_001290226.2); c.5260CTC[1], p.Leu1755del (NM_001290227.2, NM_001393527.1); c.5461CTC[1], p.Leu1822del (NM_001297651.2); c.6052CTC[1], p.Leu2019del (NM_001393524.1); c.5842CTC[1], p.Leu1949del (NM_001393525.1); c.5275CTC[1], p.Leu1760del (NM_001393526.1); c.5239CTC[1], p.Leu1748del (NM_001393528.1); c.5476CTC[1], p.Leu1827del (NM_015183.3); short protein forms L1748del, L1755del, L1760del, L1810del, L1822del, L1827del, L1949del, L2016del.
Identifiers: ClinVar variation 3770401 (VCV003770401.13).

ClinVar aggregate classification (germline): Likely benign (1 of 4 stars; one submission).

Submission:

CeGaT Center for Human Genetics Tuebingen
Classification: Likely benign. Last evaluated: 2025-01-01. Review status: criteria provided, single submitter. Criteria: CeGaT Center For Human Genetics Tuebingen Variant Classification Criteria Version 2. Collection method: clinical testing. Allele origin: germline. Affected: yes. Observed: 1 variant allele.
Comment: MAST4: PM4:Supporting, BS2